The following is an entry in ClinVar:

NM_000038.6(APC):c.7853A>G (p.Asn2618Ser)

Gene: APC (APC regulator of Wnt signaling pathway; plus strand). Cytogenetic location: 5q22.2.
Variant type: single nucleotide variant.
Coding change: c.7853A>G on transcript NM_000038.6 (MANE Select); coding-DNA position 7853, A replaced by G.
Protein change: p.Asn2618Ser; replaces asparagine 2618 with serine.
Molecular consequence: missense variant.
Genome position (GRCh38, 1-based): chr5:112,843,447, A>G. VCF-style: chr5-112843447-A-G. GRCh37 (hg19) VCF-style: chr5-112179144-A-G.
Other names: c.7853A>G, p.Asn2618Ser (NM_001127510.3, NM_001354895.2); c.7799A>G, p.Asn2600Ser (NM_001127511.3); c.7907A>G, p.Asn2636Ser (NM_001354896.2); c.7883A>G, p.Asn2628Ser (NM_001354897.2); c.7778A>G, p.Asn2593Ser (NM_001354898.2); c.7769A>G, p.Asn2590Ser (NM_001354899.2); c.7730A>G, p.Asn2577Ser (NM_001354900.2); c.7676A>G, p.Asn2559Ser (NM_001354901.2); and 5 more; short protein forms N2492S, N2527S, N2600S, N2618S, N2335S, N2458S, N2517S, N2590S.
Identifiers: ClinVar variation 652208 (VCV000652208.14), dbSNP rs1580687270, ClinGen allele CA16038396.
Genomic context (GRCh38, chr5:112,843,447, plus strand): 5'-CCAAACAAAGTAAAGAAAACCAAGTATCCGCAAAAGGAACATGGAGAAAAATAAAAGAAA[A>G]TGAATTTTCTCCCACAAATAGTACTTCTCAGACCGTTTCCTCAGGTGCTACAAATGGTGC-3'
Protein context (NP_000029.2, residues 2608-2628): AKGTWRKIKE[Asn2618Ser]EFSPTNSTSQ

ClinVar aggregate classification (germline): Uncertain significance. Review status: criteria provided, multiple submitters, no conflicts (2 of 4 stars). 2 submissions from 2 submitters: Uncertain significance (2). Last evaluated 2025-05-17.

Conditions:
Familial adenomatous polyposis 1 (FAP1). Also called: POLYPOSIS, ADENOMATOUS INTESTINAL; FAMILIAL ADENOMATOUS POLYPOSIS 1, ATTENUATED. Identifiers: MedGen C2713442, MONDO:0021056, OMIM 175100. Disease mechanism: loss of function.

Allele frequency attached by ClinVar (database versions not stated): gnomAD exomes below 0.00001.
gnomAD v4.1: 5 of 1,613,704 alleles (0.00031%); highest among the groups gnomAD compares: Non-Finnish European, 0.00034%; no homozygotes.

Submissions (2):

Labcorp Genetics (formerly Invitae), Labcorp
Classification: Uncertain significance for Familial adenomatous polyposis 1. Last evaluated: 2025-05-17. Review status: criteria provided, single submitter. Criteria: Invitae Variant Classification Sherloc (09022015). Collection method: clinical testing. Allele origin: germline.
Comment: This sequence change replaces asparagine, which is neutral and polar, with serine, which is neutral and polar, at codon 2618 of the APC protein (p.Asn2618Ser). This variant is not present in population databases (gnomAD no frequency). This variant has not been reported in the literature in individuals affected with APC-related conditions. ClinVar contains an entry for this variant (Variation ID: 652208). Invitae Evidence Modeling of protein sequence and biophysical properties (such as structural, functional, and spatial information, amino acid conservation, physicochemical variation, residue mobility, and thermodynamic stability) indicates that this missense variant is not expected to disrupt APC protein function with a negative predictive value of 95%. In summary, the available evidence is currently insufficient to determine the role of this variant in disease. Therefore, it has been classified as a Variant of Uncertain Significance.

Center for Genomic Medicine, Rigshospitalet, Copenhagen University Hospital
Classification: Uncertain significance. Last evaluated: 2025-03-04. Review status: criteria provided, single submitter. Criteria: ACMG Guidelines, 2015. Collection method: clinical testing. Allele origin: germline.